The following is an entry in ClinVar:

NM_000051.4(ATM):c.712A>G (p.Ile238Val)

Gene: ATM (ATM serine/threonine kinase; plus strand). Cytogenetic location: 11q22.3.
Variant type: single nucleotide variant.
Coding change: c.712A>G on transcript NM_000051.4 (MANE Select); coding-DNA position 712, A replaced by G.
Protein change: p.Ile238Val; replaces isoleucine 238 with valine.
Molecular consequence: missense variant.
Genome position (GRCh38, 1-based): chr11:108,244,837, A>G. VCF-style: chr11-108244837-A-G. GRCh37 (hg19) VCF-style: chr11-108115564-A-G.
Other names: p.Ile238Val; c.712A>G, p.Ile238Val (NM_001351834.2); short protein forms I238V.
Identifiers: ClinVar variation 186210 (VCV000186210.70), dbSNP rs754275014, ClinGen allele CA194160.
Genomic context (GRCh38, chr11:108,244,837, plus strand): 5'-TTTCTTCACAGACAAGAAAAGAGCTCTTCAGGTCTAAATCATATCTTAGCAGCTCTTACT[A>G]TCTTCCTCAAGACTTTGGCTGTCAACTTTCGAATTCGAGTGTGTGAATTAGGAGATGAAA-3'
Protein context (NP_000042.3, residues 228-248): GLNHILAALT[Ile238Val]FLKTLAVNFR

ClinVar aggregate classification (germline): Conflicting classifications of pathogenicity. Review status: criteria provided, conflicting classifications (1 of 4 stars). 17 submissions from 17 submitters: Uncertain significance (14); Likely benign (2). 1 of the submissions does not count toward it. Last evaluated 2026-09-14.

Conditions:
ATM-related disorder. Also called: ATM-related disorders; ATM-related condition.
Hereditary cancer-predisposing syndrome. Also called: Hereditary Cancer Syndrome; Tumor predisposition; Hereditary neoplastic syndrome; Neoplastic Syndromes, Hereditary. Identifiers: Orphanet 140162, MedGen C0027672, MeSH D009386, MONDO:0015356.
Ataxia-telangiectasia syndrome (AT). Also called: Cerebello-oculocutaneous telangiectasia; Immunodeficiency with ataxia telangiectasia; Ataxia-telangiectasia, complementation group D; AT, COMPLEMENTATION GROUP C; ATAXIA-TELANGIECTASIA, COMPLEMENTATION GROUP A; ATAXIA-TELANGIECTASIA, FRESNO VARIANT. Identifiers: Orphanet 100, MedGen C0004135, MONDO:0008840, OMIM 208900.
ATM-related cancer predisposition. Also called: ATM-related cancer susceptibility. Identifiers: MedGen CN377759, MONDO:0700270.
Familial cancer of breast. Also called: hereditary breast carcinoma; Hereditary breast cancer; BREAST CANCER, FAMILIAL. Identifiers: Orphanet 227535, MedGen C0346153, MONDO:0016419, OMIM 114480. Disease mechanism: loss of function.

Allele frequency attached by ClinVar (database versions not stated): gnomAD 0.00001; TOPMed 0.00001; ExAC 0.00002; gnomAD exomes 0.00002.
gnomAD v4.1: 27 of 1,613,786 alleles (0.0017%); highest among the groups gnomAD compares: Non-Finnish European, 0.0022%; no homozygotes.

Submissions 1 to 12 of 17:

Hema, HEMA – Genetic and Molecular Diagnostic Laboratory
Classification: Uncertain significance for ATM-related cancer predisposition. Last evaluated: 2026-09-14. Review status: criteria provided, single submitter. Criteria: HEMA Variant Classification Assertion Criteria. Collection method: clinical testing. Allele origin: germline.
Comment: It is a transition from adenine to guanine, resulting in the substitution of isoleucine 238 of ATM with valine. BP4: The score of the computational metapredictor REVEL = 0.041 is below the threshold of 0.249, indicating that the variant would not have an effect on the function of the ATM gene.

PreventionGenetics, part of Exact Sciences
Classification: Uncertain significance for ATM-related condition. Last evaluated: 2025-10-16. Review status: criteria provided, single submitter. Criteria: ACMG Guidelines, 2015. Collection method: clinical testing. Allele origin: germline.
Comment: The ATM c.712A>G variant is predicted to result in the amino acid substitution p.Ile238Val. This variant has been reported in individuals with breast cancer (Supplementary Data 1, Momozawa et al. 2018. PubMed ID: 30287823; Breast Cancer Association Consortium et al. 2021. PubMed ID: 33471991; Tung et al. 2014. PubMed ID: 25186627). This variant has also been reported in an individual with colorectal cancer (eTable 2, Pearlman et al. 2017. PubMed ID: 27978560), and an individual with melanoma (Table S2, Dalmasso et al. 2021. PubMed ID: 34262154). This variant is reported in 0.0035% of alleles in individuals of European (Non-Finnish) descent in gnomAD. This variant has conflicting interpretations in ClinVar ranging from uncertain to likely benign (Variation ID: 186210). At this time, the clinical significance of this variant is uncertain due to the absence of conclusive functional and genetic evidence.

Hereditary Cancer Laboratory, Hospital Universitario 12 de Octubre
Classification: Uncertain significance for Hereditary cancer-predisposing syndrome. Last evaluated: 2025-04-07. Review status: criteria provided, single submitter. Criteria: ACMG Guidelines, 2015. Collection method: clinical testing. Allele origin: germline.
Comment: PM2 + BP4

Labcorp Genetics (formerly Invitae), Labcorp
Classification: Uncertain significance for Ataxia-telangiectasia syndrome. Last evaluated: 2025-01-07. Review status: criteria provided, single submitter. Criteria: Invitae Variant Classification Sherloc (09022015). Collection method: clinical testing. Allele origin: germline.
Comment: This sequence change replaces isoleucine, which is neutral and non-polar, with valine, which is neutral and non-polar, at codon 238 of the ATM protein (p.Ile238Val). This variant is present in population databases (rs754275014, gnomAD 0.003%). This missense change has been observed in individual(s) with colorectal cancer, breast cancer, and ovarian cancer (PMID: 26689913, 27978560, 30287823). ClinVar contains an entry for this variant (Variation ID: 186210). Invitae Evidence Modeling of protein sequence and biophysical properties (such as structural, functional, and spatial information, amino acid conservation, physicochemical variation, residue mobility, and thermodynamic stability) indicates that this missense variant is not expected to disrupt ATM protein function with a negative predictive value of 95%. In summary, the available evidence is currently insufficient to determine the role of this variant in disease. Therefore, it has been classified as a Variant of Uncertain Significance.

Women's Health and Genetics/Laboratory Corporation of America, LabCorp
Classification: Uncertain significance. Last evaluated: 2024-11-14. Review status: criteria provided, single submitter. Criteria: LabCorp Variant Classification Summary - May 2015. Collection method: clinical testing. Allele origin: germline.
Comment: Variant summary: ATM c.712A>G (p.Ile238Val) results in a conservative amino acid change in the encoded protein sequence. Five of five in-silico tools predict a benign effect of the variant on protein function. The variant allele was found at a frequency of 1.7e-05 in 1606794 control chromosomes in the gnomAD database (v4.1 dataset). This frequency is not higher than estimated maximum for a pathogenic variant in ATM causing Breast Cancer (1.7e-05 vs 0.001), allowing no conclusion about variant significance. c.712A>G has been reported in the literature in individuals affected with Breast Cancer, and other tumor phenotypes, but was also found in several controls (e.g. Tung_2014, Pearlman_2017, Momozawa_2018, Dorling_2021, Dalmasso_2021, Okawa_2023). These reports do not provide unequivocal conclusions about association of the variant with Breast Cancer. To our knowledge, no experimental evidence demonstrating an impact on protein function has been reported. The following publications have been ascertained in the context of this evaluation (PMID: 27978560, 30287823, 33471991, 34262154, 36243179, 25186627). ClinVar contains an entry for this variant (Variation ID: 186210). Based on the evidence outlined above, the variant was classified as uncertain significance.

GeneDx
Classification: Uncertain significance. Last evaluated: 2024-08-27. Review status: criteria provided, single submitter. Criteria: GeneDx Variant Classification Process June 2021. Collection method: clinical testing. Allele origin: germline. Affected: yes.
Comment: Not observed at significant frequency in large population cohorts (gnomAD); In silico analysis indicates that this missense variant does not alter protein structure/function; Observed in individuals with melanoma, breast, ovarian, or colon cancer, and also in controls (PMID: 26689913, 27978560, 30287823, 34262154); This variant is associated with the following publications: (PMID: 26689913, 30287823, 27978560, 33471991, 34262154, 36243179)

Mayo Clinic Laboratories, Mayo Clinic
Classification: Uncertain significance. Last evaluated: 2024-07-09. Review status: criteria provided, single submitter. Criteria: ACMG Guidelines, 2015. Collection method: clinical testing. Allele origin: germline. Observed: 2 variant alleles.
Comment: BP4

Myriad Genetics, Inc.
Classification: Likely benign for Familial cancer of breast. Last evaluated: 2024-04-22. Review status: criteria provided, single submitter. Criteria: Myriad Autosomal Dominant, Autosomal Recessive and X-Linked Classification Criteria (2023). Collection method: clinical testing. Allele origin: unknown.
Comment: This variant is considered likely benign. This variant is strongly associated with less severe personal and family histories of cancer, typical for individuals without pathogenic variants in this gene [PMID: 25085752].

Baylor Genetics
Classification: Uncertain significance for Familial cancer of breast. Last evaluated: 2024-02-12. Review status: criteria provided, single submitter. Criteria: ACMG Guidelines, 2015. Collection method: clinical testing. Allele origin: unknown.

Color Diagnostics, LLC DBA Color Health
Classification: Uncertain significance for Hereditary cancer-predisposing syndrome. Last evaluated: 2023-12-11. Review status: criteria provided, single submitter. Criteria: ACMG Guidelines, 2015. Collection method: clinical testing. Allele origin: germline.
Comment: This missense variant replaces isoleucine with valine at codon 238 of the ATM protein. Computational prediction suggests that this variant may not impact protein structure and function. To our knowledge, functional studies have not been reported for this variant. This variant has been reported in individuals affected with breast cancer, ovarian cancer, or colorectal cancer (PMID: 26689913, 27978560, 30287823, 33471991). This variant has been identified in 4/251040 chromosomes in the general population by the Genome Aggregation Database (gnomAD). The available evidence is insufficient to determine the role of this variant in disease conclusively. Therefore, this variant is classified as a Variant of Uncertain Significance.

Athena Diagnostics
Classification: Uncertain significance. Last evaluated: 2023-12-04. Review status: criteria provided, single submitter. Criteria: Athena Diagnostics Criteria. Collection method: clinical testing. Allele origin: unknown.
Comment: Available data are insufficient to determine the clinical significance of the variant at this time. The frequency of this variant in the general population is uninformative in assessment of its pathogenicity. Computational tools predict that this variant is not damaging.

Quest Diagnostics Nichols Institute San Juan Capistrano
Classification: Uncertain significance. Last evaluated: 2023-10-03. Review status: criteria provided, single submitter. Criteria: Quest Diagnostics criteria. Collection method: clinical testing. Allele origin: unknown.